The following is an entry in ClinVar:

ClinVar aggregate classification (germline): Pathogenic (1 of 4 stars; one submission).

Conditions:
Fabry disease. Also called: ALPHA-GALACTOSIDASE A DEFICIENCY; ANDERSON-FABRY DISEASE; CERAMIDE TRIHEXOSIDASE DEFICIENCY; GLA DEFICIENCY; HEREDITARY DYSTOPIC LIPIDOSIS; Angiokeratoma corporis diffusum. Identifiers: Orphanet 324, MedGen C0002986, MONDO:0010526, OMIM 301500, HP:0001071. Disease mechanism: Fabry disease is due to inactivating mutations in the X-linked GLA gene resulting in deficiency of the enzyme Alpha Galactosidase-A., loss of function.

Submission:

Genomenon, Inc
Classification: Pathogenic for Fabry disease. Last evaluated: 2026-09-08. Review status: criteria provided, single submitter. Criteria: Genomenon Sequence Variant Interpretation Standards - Updated. Collection method: curation. Allele origin: germline. Affected: yes.
Comment: GLA p.Trp236Ter (c.708_709delinsAT) is a nonsense variant that introduces a premature stop codon at amino acid position 236 and is predicted to result in a truncated or absent protein product. This variant has been observed in at least one proband with clinical features consistent with Fabry disease (PMID:27560961). Functional or patient cell studies have been reported (PMID:27560961). It is absent or not present at a significant frequency in gnomAD. In conclusion, we classify GLA p.Trp236Ter (c.708_709delinsAT) as a pathogenic variant.

Literature cited by the submitters: PubMed 27560961.

NM_000169.3(GLA):c.708_709delinsAT (p.Trp236_Lys237delinsTer)

Genes: GLA (galactosidase alpha; minus strand), RPL36A-HNRNPH2 (RPL36A-HNRNPH2 readthrough; plus strand). Cytogenetic location: Xq22.1.
Variant type: Indel.
Coding change: c.708_709delinsAT on transcript NM_000169.3 (MANE Select); coding-DNA positions 708 to 709, GA replaced by AT.
Protein change: p.Trp236_Lys237delinsTer.
Molecular consequence: nonsense. On other transcripts: non-coding transcript variant (3), intron variant (2).
Genome position (GRCh38, 1-based): chrX:101,398,877-101,398,878, TC replaced by AT on the plus strand (GA replaced by AT on the coding strand, the reverse complement: GLA is on the minus strand). VCF-style: chrX-101398877-TC-AT. GRCh37 (hg19) VCF-style: chrX-100653865-TC-AT.
Other names: c.831_832delinsAT, p.Trp277_Lys278delinsTer (NM_001406747.1); c.708_709delinsAT, p.Trp236_Lys237delinsTer (NM_001406748.1); c.300+3420_300+3421delinsAT (NM_001199973.2); c.177+7055_177+7056delinsAT (NM_001199974.2); short protein forms W236*.
Identifiers: ClinVar variation 4087175 (VCV004087175.2).
Genomic context (GRCh38, chrX:101,398,877, plus strand): 5'-CAACATCAACAATTCTCTCCTGGTTAAAAGATGTCCAGTCCAAGATACTCTTTATACTTT[TC>AT]CAGGAATCATCAATGTCAGCAAAATTTCGCCAGTGATTGCAGTACTGTCGGATTTCTGTA-3'